The following is an entry in ClinVar:

NM_001999.4(FBN2):c.1601T>C (p.Ile534Thr)

Gene: FBN2 (fibrillin 2; minus strand). Cytogenetic location: 5q23.3.
Variant type: single nucleotide variant.
Coding change: c.1601T>C on transcript NM_001999.4 (MANE Select); coding-DNA position 1601, T replaced by C.
Protein change: p.Ile534Thr; replaces isoleucine 534 with threonine.
Molecular consequence: missense variant.
Genome position (GRCh38, 1-based): chr5:128,392,020, A>G on the plus strand (T>C on the coding strand, the complement: FBN2 is on the minus strand). VCF-style: chr5-128392020-A-G. GRCh37 (hg19) VCF-style: chr5-127727713-A-G.
Other names: short protein forms I534T.
Identifiers: ClinVar variation 1356219 (VCV001356219.6), dbSNP rs762032979, ClinGen allele CA3395768.

ClinVar aggregate classification (germline): Uncertain significance (1 of 4 stars; one submission).

Conditions:
Congenital contractural arachnodactyly (CCA). Also called: BEALS SYNDROME; Beals-Hecht syndrome; Arthrogryposis, distal, type 9. Identifiers: Orphanet 115, MedGen C0220668, MONDO:0007363, OMIM 121050.

Allele frequency attached by ClinVar (database versions not stated): gnomAD exomes below 0.00001; ExAC 0.00001.
gnomAD v4.1: 1 of 1,613,596 alleles (0.000062%); highest among the groups gnomAD compares: Non-Finnish European, 0.000085%; no homozygotes.

Submission:

Labcorp Genetics (formerly Invitae), Labcorp
Classification: Uncertain significance for Congenital contractural arachnodactyly. Last evaluated: 2022-03-22. Review status: criteria provided, single submitter. Criteria: Invitae Variant Classification Sherloc (09022015). Collection method: clinical testing. Allele origin: germline.
Comment: In summary, the available evidence is currently insufficient to determine the role of this variant in disease. Therefore, it has been classified as a Variant of Uncertain Significance. Algorithms developed to predict the effect of missense changes on protein structure and function output the following: SIFT: "Deleterious"; PolyPhen-2: "Possibly Damaging"; Align-GVGD: "Class C0". The threonine amino acid residue is found in multiple mammalian species, which suggests that this missense change does not adversely affect protein function. This variant has not been reported in the literature in individuals affected with FBN2-related conditions. This variant is present in population databases (rs762032979, gnomAD 0.0009%). This sequence change replaces isoleucine, which is neutral and non-polar, with threonine, which is neutral and polar, at codon 534 of the FBN2 protein (p.Ile534Thr).